The following is an entry in ClinVar:

ClinVar aggregate classification (germline): Uncertain significance (1 of 4 stars; one submission).

Conditions:
Renal cell carcinoma. Identifiers: Orphanet 217071, MedGen C0007134, MeSH D002292, MONDO:0005086, HP:0005584.

Submission:

Labcorp Genetics (formerly Invitae), Labcorp
Classification: Uncertain significance for Renal cell carcinoma. Last evaluated: 2020-12-31. Review status: criteria provided, single submitter. Criteria: Invitae Variant Classification Sherloc (09022015). Collection method: clinical testing. Allele origin: germline.
Comment: This variant has not been reported in the literature in individuals with MET-related disease. This variant is not present in population databases (ExAC no frequency). This sequence change replaces isoleucine with valine at codon 903 of the MET protein (p.Ile903Val). The isoleucine residue is weakly conserved and there is a small physicochemical difference between isoleucine and valine. In summary, the available evidence is currently insufficient to determine the role of this variant in disease. Therefore, it has been classified as a Variant of Uncertain Significance. Algorithms developed to predict the effect of missense changes on protein structure and function output the following: SIFT: "Tolerated"; PolyPhen-2: "Benign"; Align-GVGD: "Class C0". The valine amino acid residue is found in multiple mammalian species, suggesting that this missense change does not adversely affect protein function. These predictions have not been confirmed by published functional studies and their clinical significance is uncertain.

NM_000245.4(MET):c.2653A>G (p.Ile885Val)

Gene: MET (MET proto-oncogene, receptor tyrosine kinase; plus strand). Cytogenetic location: 7q31.2.
Variant type: single nucleotide variant.
Coding change: c.2653A>G on transcript NM_000245.4 (MANE Select); coding-DNA position 2653, A replaced by G.
Protein change: p.Ile885Val; replaces isoleucine 885 with valine.
Molecular consequence: missense variant.
Genome position (GRCh38, 1-based): chr7:116,769,714, A>G. VCF-style: chr7-116769714-A-G. GRCh37 (hg19) VCF-style: chr7-116409768-A-G.
Other names: c.2707A>G, p.Ile903Val (NM_001127500.3); c.2653A>G, p.Ile885Val (NM_001324401.3); c.1363A>G, p.Ile455Val (NM_001324402.2); short protein forms I455V, I903V, I885V.
Identifiers: ClinVar variation 639846 (VCV000639846.10), dbSNP rs1584953249, ClinGen allele CA368985558.